The following is an entry in ClinVar:

NM_004946.3(DOCK2):c.728C>A (p.Ser243Tyr)

Gene: DOCK2 (dedicator of cytokinesis 2; plus strand). Cytogenetic location: 5q35.1.
Variant type: single nucleotide variant.
Coding change: c.728C>A on transcript NM_004946.3 (MANE Select); coding-DNA position 728, C replaced by A.
Protein change: p.Ser243Tyr; replaces serine 243 with tyrosine.
Molecular consequence: missense variant. On other transcripts: non-coding transcript variant (1).
Genome position (GRCh38, 1-based): chr5:169,684,317, C>A. VCF-style: chr5-169684317-C-A. GRCh37 (hg19) VCF-style: chr5-169111321-C-A.
Other names: short protein forms S243Y.
Identifiers: ClinVar variation 2106748 (VCV002106748.4), dbSNP rs1305477627, ClinGen allele CA362103730.
Genomic context (GRCh38, chr5:169,684,317, plus strand): 5'-TCTATGTGTTTGTGAGAAACTTTGTGTGCAGAATTGGGGAAGATGCTGAGCTCTTCATGT[C>A]TCTCTACGACCCCAACAAGCAAACGGTCATAAGGTAGGTGTGTCCAGGGTTGCCCTACTT-3'
Protein context (NP_004937.1, residues 233-253): RIGEDAELFM[Ser243Tyr]LYDPNKQTVI

ClinVar aggregate classification (germline): Uncertain significance (1 of 4 stars; one submission).

Conditions:
DOCK2 deficiency. Also called: Immunodeficiency 40. Identifiers: Orphanet 447737, MedGen C4225328, MONDO:0014637, OMIM 616433.

Submission:

Labcorp Genetics (formerly Invitae), Labcorp
Classification: Uncertain significance for DOCK2 deficiency. Last evaluated: 2022-03-14. Review status: criteria provided, single submitter. Criteria: Invitae Variant Classification Sherloc (09022015). Collection method: clinical testing. Allele origin: germline.
Comment: Algorithms developed to predict the effect of missense changes on protein structure and function are either unavailable or do not agree on the potential impact of this missense change (SIFT: "Deleterious"; PolyPhen-2: "Probably Damaging"; Align-GVGD: "Class C0"). This sequence change replaces serine, which is neutral and polar, with tyrosine, which is neutral and polar, at codon 243 of the DOCK2 protein (p.Ser243Tyr). This variant is not present in population databases (gnomAD no frequency). This variant has not been reported in the literature in individuals affected with DOCK2-related conditions. In summary, the available evidence is currently insufficient to determine the role of this variant in disease. Therefore, it has been classified as a Variant of Uncertain Significance.